The following is an entry in ClinVar:

ClinVar aggregate classification (germline): Uncertain significance. Review status: criteria provided, multiple submitters, no conflicts (2 of 4 stars). 2 submissions from 2 submitters: Uncertain significance (2). Last evaluated 2025-05-01.

gnomAD v4.1: 19 of 1,598,960 alleles (0.0012%); highest among the groups gnomAD compares: Non-Finnish European, 0.0016%; no homozygotes.

Submissions (2):

CeGaT Center for Human Genetics Tuebingen
Classification: Uncertain significance. Last evaluated: 2025-05-01. Review status: criteria provided, single submitter. Criteria: CeGaT Center For Human Genetics Tuebingen Variant Classification Criteria Version 2. Collection method: clinical testing. Allele origin: germline. Affected: yes. Observed: 1 variant allele.

Labcorp Genetics (formerly Invitae), Labcorp
Classification: Uncertain significance. Last evaluated: 2024-11-15. Review status: criteria provided, single submitter. Criteria: Invitae Variant Classification Sherloc (09022015). Collection method: clinical testing. Allele origin: germline.
Comment: This sequence change replaces valine, which is neutral and non-polar, with leucine, which is neutral and non-polar, at codon 1363 of the TRRAP protein (p.Val1363Leu). This variant is present in population databases (rs140553884, gnomAD 0.003%). This variant has not been reported in the literature in individuals affected with TRRAP-related conditions. ClinVar contains an entry for this variant (Variation ID: 2175146). Invitae Evidence Modeling of protein sequence and biophysical properties (such as structural, functional, and spatial information, amino acid conservation, physicochemical variation, residue mobility, and thermodynamic stability) indicates that this missense variant is not expected to disrupt TRRAP protein function with a negative predictive value of 80%. In summary, the available evidence is currently insufficient to determine the role of this variant in disease. Therefore, it has been classified as a Variant of Uncertain Significance.

NM_001375524.1(TRRAP):c.4087G>T (p.Val1363Leu)

Gene: TRRAP (transformation/transcription domain associated protein; plus strand). Cytogenetic location: 7q22.1.
Variant type: single nucleotide variant.
Coding change: c.4087G>T on transcript NM_001375524.1 (MANE Select); coding-DNA position 4087, G replaced by T.
Protein change: p.Val1363Leu; replaces valine 1363 with leucine.
Molecular consequence: missense variant.
Genome position (GRCh38, 1-based): chr7:98,935,651, G>T. VCF-style: chr7-98935651-G-T. GRCh37 (hg19) VCF-style: chr7-98533274-G-T.
Other names: c.4087G>T, p.Val1363Leu (NM_001244580.2, NM_003496.4); short protein forms V1363L.
Identifiers: ClinVar variation 2175146 (VCV002175146.14), dbSNP rs140553884, ClinGen allele CA4360154.
Genomic context (GRCh38, chr7:98,935,651, plus strand): 5'-TGTGAGGCTGAAGATTCAGCTTTAACAAAGCTGCCCTGTTATAAAAGCCTTCCGTCACTC[G>T]TACCTTTACGAATTGCGGCATTAAGTAAGTTAATGAAAATCTACGGGGTATAAAAGTGAA-3'
Protein context (NP_001362453.1, residues 1353-1373): LPCYKSLPSL[Val1363Leu]PLRIAALNAL